The following is an entry in ClinVar:

ClinVar aggregate classification (germline): Uncertain significance (1 of 4 stars; one submission).

Conditions:
Hereditary cancer-predisposing syndrome. Also called: Tumor predisposition; Hereditary Cancer Syndrome; Hereditary neoplastic syndrome; Neoplastic Syndromes, Hereditary. Identifiers: Orphanet 140162, MedGen C0027672, MeSH D009386, MONDO:0015356.

Submission:

Labcorp Genetics (formerly Invitae), Labcorp
Classification: Uncertain significance for Hereditary cancer-predisposing syndrome. Last evaluated: 2021-11-10. Review status: criteria provided, single submitter. Criteria: Invitae Variant Classification Sherloc (09022015). Collection method: clinical testing. Allele origin: germline.
Comment: This sequence change replaces asparagine, which is neutral and polar, with lysine, which is basic and polar, at codon 607 of the RAD50 protein (p.Asn607Lys). This variant is not present in population databases (gnomAD no frequency). This variant has not been reported in the literature in individuals affected with RAD50-related conditions. Algorithms developed to predict the effect of missense changes on protein structure and function (SIFT, PolyPhen-2, Align-GVGD) all suggest that this variant is likely to be tolerated. In summary, the available evidence is currently insufficient to determine the role of this variant in disease. Therefore, it has been classified as a Variant of Uncertain Significance.

NM_005732.4(RAD50):c.1821T>G (p.Asn607Lys)

Gene: RAD50 (RAD50 double strand break repair protein; plus strand). Cytogenetic location: 5q31.1.
Variant type: single nucleotide variant.
Coding change: c.1821T>G on transcript NM_005732.4 (MANE Select); coding-DNA position 1821, T replaced by G.
Protein change: p.Asn607Lys; replaces asparagine 607 with lysine.
Molecular consequence: missense variant.
Genome position (GRCh38, 1-based): chr5:132,594,896, T>G. VCF-style: chr5-132594896-T-G. GRCh37 (hg19) VCF-style: chr5-131930588-T-G.
Other names: short protein forms N607K.
Identifiers: ClinVar variation 1483407 (VCV001483407.6), dbSNP rs876660848, ClinGen allele CA360947521.